The following is an entry in ClinVar:

ClinVar aggregate classification (germline): Conflicting classifications of pathogenicity. Review status: criteria provided, conflicting classifications (1 of 4 stars). 2 submissions from 2 submitters: Uncertain significance (1); Likely benign (1). Last evaluated 2024-05-16.

Conditions:
Inborn genetic diseases. Identifiers: MedGen C0950123, MeSH D030342.
KBG syndrome (KBGS). Also called: ANKRD11-Related KBG Syndrome. Identifiers: Orphanet 2332, MedGen C0220687, MONDO:0007846, OMIM 148050.

Allele frequency attached by ClinVar (database versions not stated): gnomAD exomes below 0.00001; ExAC 0.00002; ESP Exome Variant Server 0.00008.
gnomAD v4.1: 2 of 1,614,226 alleles (0.00012%); highest among the groups gnomAD compares: Non-Finnish European, 0.00017%; no homozygotes.

Submissions (2):

Ambry Genetics
Classification: Likely benign for Inborn genetic diseases. Last evaluated: 2024-05-16. Review status: criteria provided, single submitter. Criteria: Ambry Variant Classification Scheme 2023. Collection method: clinical testing. Allele origin: germline.

Labcorp Genetics (formerly Invitae), Labcorp
Classification: Uncertain significance for KBG syndrome. Last evaluated: 2024-01-15. Review status: criteria provided, single submitter. Criteria: Invitae Variant Classification Sherloc (09022015). Collection method: clinical testing. Allele origin: germline.
Comment: This sequence change replaces proline, which is neutral and non-polar, with leucine, which is neutral and non-polar, at codon 1782 of the ANKRD11 protein (p.Pro1782Leu). This variant is present in population databases (rs371566102, gnomAD 0.002%). This variant has not been reported in the literature in individuals affected with ANKRD11-related conditions. Advanced modeling of protein sequence and biophysical properties (such as structural, functional, and spatial information, amino acid conservation, physicochemical variation, residue mobility, and thermodynamic stability) performed at Invitae indicates that this missense variant is not expected to disrupt ANKRD11 protein function with a negative predictive value of 95%. In summary, the available evidence is currently insufficient to determine the role of this variant in disease. Therefore, it has been classified as a Variant of Uncertain Significance.

NM_013275.6(ANKRD11):c.5345C>T (p.Pro1782Leu)

Gene: ANKRD11 (ankyrin repeat domain 11; minus strand). Cytogenetic location: 16q24.3.
Variant type: single nucleotide variant.
Coding change: c.5345C>T on transcript NM_013275.6 (MANE Select); coding-DNA position 5345, C replaced by T.
Protein change: p.Pro1782Leu; replaces proline 1782 with leucine.
Molecular consequence: missense variant.
Genome position (GRCh38, 1-based): chr16:89,281,197, G>A on the plus strand (C>T on the coding strand, the complement: ANKRD11 is on the minus strand). VCF-style: chr16-89281197-G-A. GRCh37 (hg19) VCF-style: chr16-89347605-G-A.
Other names: c.5345C>T (NM_013275.4); c.5345C>T, p.Pro1782Leu (NM_001256182.2, NM_001256183.2); short protein forms P1782L.
Identifiers: ClinVar variation 2731996 (VCV002731996.4), dbSNP rs371566102, ClinGen allele CA8241871.
Genomic context (GRCh38, chr16:89,281,197, plus strand): 5'-TCTTCCTCGGGGGTCCTCCTAATGTCGACAGAGACCGAGCGGTAAAGGTTTGTGGAGAGA[G>A]GCCTGGCAGGAGCCTGGCTGGCGTTTTCCGAAAGCCCACTTGAAGCCACGGAGAACCTGT-3'
Protein context (NP_037407.4, residues 1772-1792): SENASQAPAR[Pro1782Leu]LSTNLYRSVS